The following is an entry in ClinVar:

ClinVar aggregate classification (germline): Uncertain significance. Review status: criteria provided, multiple submitters, no conflicts (2 of 4 stars). 2 submissions from 2 submitters: Uncertain significance (2). Last evaluated 2026-09-04.

Conditions:
Hypomagnesemia, seizures, and impaired intellectual development 1. Also called: Hypomagnesemia, seizures, and intellectual disability 1. Identifiers: Orphanet 34527, MedGen C4225333, MONDO:0020787, OMIM 616418.
Renal hypomagnesemia 6. Identifiers: Orphanet 34527, MedGen C3151295, MONDO:0013480, OMIM 613882.

Submissions (2):

GeneDx
Classification: Uncertain significance. Last evaluated: 2026-09-04. Review status: criteria provided, single submitter. Criteria: GeneDx Variant Classification Process June 2021. Collection method: clinical testing. Allele origin: germline.
Comment: In-frame deletion of 1 amino acid(s) in a non-repeat region; Not observed at significant frequency in large population cohorts (gnomAD); In silico analysis supports a deleterious effect on protein structure/function; Has not been previously published as pathogenic or benign to our knowledge

Fulgent Genetics
Classification: Uncertain significance for Renal hypomagnesemia 6; Hypomagnesemia, seizures, and impaired intellectual development 1. Last evaluated: 2024-05-31. Review status: criteria provided, single submitter. Criteria: ACMG Guidelines, 2015. Collection method: clinical testing. Allele origin: germline.

NM_017649.5(CNNM2):c.1285_1287del (p.Lys429del)

Gene: CNNM2 (cyclin and CBS domain divalent metal cation transport mediator 2; plus strand). Cytogenetic location: 10q24.32.
Variant type: Deletion.
Coding change: c.1285_1287del on transcript NM_017649.5 (MANE Select); coding-DNA positions 1285 to 1287, 3 bases deleted (AAG; older notation c.1285_1287delAAG).
Protein change: p.Lys429del; deletes lysine 429.
Molecular consequence: inframe deletion.
Genome position (GRCh38, 1-based): chr10:102,919,765-102,919,767, AAG deleted. VCF-style (leftmost placement, unchanged base first): chr10-102919764-TAAG-T. GRCh37 (hg19) VCF-style: chr10-104679521-TAAG-T.
Other names: c.1285_1287del, p.Lys429del (NM_199076.3, NM_199077.3); short protein forms K429del.
Identifiers: ClinVar variation 2578153 (VCV002578153.3), dbSNP rs2493376607, ClinGen allele CA2580617657.